The following is an entry in ClinVar:

NM_001927.4(DES):c.625G>C (p.Ala209Pro)

Gene: DES (desmin; plus strand). Cytogenetic location: 2q35.
Variant type: single nucleotide variant.
Coding change: c.625G>C on transcript NM_001927.4 (MANE Select); coding-DNA position 625, G replaced by C.
Protein change: p.Ala209Pro; replaces alanine 209 with proline.
Molecular consequence: missense variant.
Genome position (GRCh38, 1-based): chr2:219,420,141, G>C. VCF-style: chr2-219420141-G-C. GRCh37 (hg19) VCF-style: chr2-220284863-G-C.
Other names: c.625G>C (LRG_380t1); short protein forms A209P.
Identifiers: ClinVar variation 546199 (VCV000546199.6), dbSNP rs1553603386, ClinGen allele CA350689995.

ClinVar aggregate classification (germline): Uncertain significance. Review status: criteria provided, multiple submitters, no conflicts (2 of 4 stars). 3 submissions from 3 submitters: Uncertain significance (3). Last evaluated 2025-11-05.

Conditions:
Dilated cardiomyopathy 1I (CMD1I). Identifiers: Orphanet 154, MedGen C1858154, MONDO:0011482, OMIM 604765.

Submissions (3):

Victorian Clinical Genetics Services, Murdoch Childrens Research Institute
Classification: Uncertain significance for Dilated cardiomyopathy 1I. Last evaluated: 2025-11-05. Review status: criteria provided, single submitter. Criteria: ACMG Guidelines, 2015. Collection method: clinical testing. Allele origin: germline. Affected: yes.
Comment: This variant is classified as VUS-3B. Evidence in support of pathogenic classification: Variant is absent from gnomAD (v2, v3 and v4). Additional information: Variant is predicted to result in a missense amino acid change from Ala to Pro; This variant is heterozygous; This gene is associated with both recessive and dominant disease. The majority of disease-associated DES variants exhibit autosomal dominant inheritance, with rare cases of biallelic truncating and missense variants reported for myopathy (PMID: 29926427); Previous evidence of pathogenicity for this variant is inconclusive. This variant has been classified as a VUS by clinical laboratories in ClinVar; No published evidence of segregation with disease has been identified for this variant; No published functional evidence has been identified for this variant; No comparable missense variants have previous evidence for pathogenicity; Variant is located in the annotated filament domain (DECIPHER); Missense variant with inconclusive in silico prediction and/or uninformative conservation; Dominant negative and loss of function are known mechanisms of disease in this gene and are associated with dilated cardiomyopathy 1I (MIM#604765), myofibrillar myopathy 1 (MIM#601419), Kaeser type neurogenic scapuloperoneal syndrome (MIM#181400) and arrhythmogenic right ventricular cardiomyopathy (MONDO:0016587), DES-related (PMID: 29926427, 33373648); Inheritance information for this variant is not currently available in this individual.

Revvity Omics, Revvity
Classification: Uncertain significance. Last evaluated: 2020-10-14. Review status: criteria provided, single submitter. Criteria: ACMG Guidelines, 2015. Collection method: clinical testing. Allele origin: germline.

GeneDx
Classification: Uncertain significance. Last evaluated: 2018-05-09. Review status: criteria provided, single submitter. Criteria: GeneDx Variant Classification (06012015). Collection method: clinical testing. Allele origin: germline. Affected: yes.
Comment: The A209P variant in the DES gene has not been reported previously as a pathogenic variant, nor as a benign variant, to our knowledge. The A209P variant is not observed in large population cohorts (Lek et al., 2016). The A209P variant is a semi-conservative amino acid substitution, which may impact secondary protein structure as these residues differ in some properties. In-silico analyses, including protein predictors and evolutionary conservation, support that this variant does not alter protein structure/function. We interpret A209P as a variant of uncertain significance.

Literature cited by the submitters: PubMed 29926427 (cited by Victorian Clinical Genetics Services, Murdoch Childrens Research Institute); PubMed 33373648 (cited by Victorian Clinical Genetics Services, Murdoch Childrens Research Institute).